The following is an entry in ClinVar:

NM_022356.4(P3H1):c.1570-294T>C

Gene: P3H1 (prolyl 3-hydroxylase 1; minus strand). Cytogenetic location: 1p34.2.
Variant type: single nucleotide variant.
Coding change: c.1570-294T>C on transcript NM_022356.4 (MANE Select); 294 bases into the intron before coding-DNA position 1570, T replaced by C.
Molecular consequence: intron variant.
Genome position (GRCh38, 1-based): chr1:42,750,630, A>G on the plus strand (T>C on the coding strand, the complement: P3H1 is on the minus strand). VCF-style: chr1-42750630-A-G. GRCh37 (hg19) VCF-style: chr1-43216301-A-G.
Other names: c.1570-294T>C (NM_001146289.2, NM_001243246.2).
Identifiers: ClinVar variation 667662 (VCV000667662.1), dbSNP rs1451483017, ClinGen allele CA522493219.

ClinVar aggregate classification (germline): Likely benign (1 of 4 stars; one submission).

Submission:

GeneDx
Classification: Likely benign. Last evaluated: 2018-06-17. Review status: criteria provided, single submitter. Criteria: GeneDx Variant Classification (06012015). Collection method: clinical testing. Allele origin: germline. Affected: yes.
Comment: This variant is considered likely benign or benign based on one or more of the following criteria: it is a conservative change, it occurs at a poorly conserved position in the protein, it is predicted to be benign by multiple in silico algorithms, and/or has population frequency not consistent with disease.